The following continues an entry in ClinVar:

NM_000053.4(ATP7B):c.51+4A>T

Gene: ATP7B. ClinVar aggregate classification (germline): Pathogenic/Likely pathogenic. Pathogenic (17); Likely pathogenic (2).

Submissions 12 to 24 of 24:

ARUP Laboratories, Molecular Genetics and Genomics, ARUP Laboratories
Classification: Pathogenic for Wilson disease. Last evaluated: 2023-03-14. Review status: criteria provided, single submitter. Criteria: ARUP Molecular Germline Variant Investigation Process 2024. Collection method: clinical testing. Allele origin: germline.
Comment: The ATP7B c.51+4A>T variant (rs369488210) is reported in the literature in numerous individuals with Wilson disease who were either compound heterozygous with another pathogenic variant or homozygous for c.51+4A>T (Arruda 2014, Couchonnal 2021, Garcia-Villarreal 2021, Lovicu 2009, Sanchez-Monteagudo 2020). This variant is also reported in ClinVar (Variation ID: 312401). This variant is only observed on four alleles in the Genome Aggregation Database, indicating it is not a common polymorphism. This variant disrupts the canonical splice donor site of intron 1, which is likely to negatively impact gene function. Based on available information, this variant is considered to be pathogenic. References: Arruda WO et al. Pathogenic compound heterozygous ATP7B mutations with hypoceruloplasminaemia without clinical features of Wilson's disease. J Clin Neurosci. 2014 Feb;21(2):335-6. PMID: 23962630. Couchonnal E et al. ATP7B variant spectrum in a French pediatric Wilson disease cohort. Eur J Med Genet. 2021 Oct;64(10):104305. PMID: 34400371. Garcia-Villarreal L et al. Wilson disease: revision of diagnostic criteria in a clinical series with great genetic homogeneity. J Gastroenterol. 2021 Jan;56(1):78-89. PMID: 33159804. Lovicu M et al. RNA analysis of consensus sequence splicing mutations: implications for the diagnosis of Wilson disease. Genet Test Mol Biomarkers. 2009 Apr;13(2):185-91. PMID: 19371217. Sanchez-Monteagudo A et al. Genetics of Wilson disease and Wilson-like phenotype in a clinical series from eastern Spain. Clin Genet. 2020 May;97(5):758-763. PMID: 32043565.

Genome-Nilou Lab
Classification: Pathogenic for Wilson disease. Last evaluated: 2021-08-10. Review status: criteria provided, single submitter. Criteria: ACMG Guidelines, 2015. Collection method: clinical testing. Allele origin: germline. Affected: no.

Women's Health and Genetics/Laboratory Corporation of America, LabCorp
Classification: Pathogenic for Wilson disease. Last evaluated: 2020-08-21. Review status: criteria provided, single submitter. Criteria: LabCorp Variant Classification Summary - May 2015. Collection method: clinical testing. Allele origin: germline.
Comment: Variant summary: ATP7B c.51+4A>T alters a conserved nucleotide located close to a canonical splice site and therefore could affect mRNA splicing, leading to a significantly altered protein sequence. Several computational tools predict a significant impact on normal splicing: Two predict the variant abolishes a 5 splicing donor site. Two predict the variant weakens a 5' donor site. At least one publication reports splicing assay performed on the patients blood sample showed partial splicing defect (Lovicu_2009). The variant allele was found at a frequency of 1.6e-05 in 249536 control chromosomes (gnomAD and publication data). c.51+4A>T has been reported in the literature in the compound heterozygous or homozygous state in multiple individuals affected with Wilson Disease (Deguti_2004, Margarit_2005, Lovicu_2009, Coffey_2013, Paradisi_2014). These data indicate that the variant is very likely to be associated with disease. Four ClinVar submitters (evaluation after 2014) cite the variant as pathogenic (3x) and likely pathogenic (1x). Based on the evidence outlined above, the variant was classified as pathogenic.

Knight Diagnostic Laboratories, Oregon Health and Sciences University
Classification: Pathogenic for Wilson disease. Last evaluated: 2019-07-08. Review status: criteria provided, single submitter. Criteria: ACMG Guidelines, 2015. Collection method: clinical testing. Allele origin: germline. Observed: 2 variant alleles.

Mendelics
Classification: Pathogenic for Wilson disease. Last evaluated: 2019-05-28. Review status: criteria provided, single submitter. Criteria: Mendelics Assertion Criteria 2017. Collection method: clinical testing. Allele origin: unknown.

Laboratory for Molecular Medicine, Mass General Brigham Personalized Medicine
Classification: Likely pathogenic for Wilson disease. Last evaluated: 2019-04-10. Review status: criteria provided, single submitter. Criteria: ACMG Guidelines, 2015. Collection method: clinical testing. Allele origin: germline. Inheritance: Autosomal recessive inheritance.
Comment: The c.51+4A>T variant in ATP7B has been reported in the homozygous or compound heterozygous state in at least 5 individuals with clinical and/or biochemical features of Wilson disease, and segregated with disease in at least 1 affected relative (Deguti 2004, Lovicu 2009, Bem 2013, Paradisi 2014). It has also been identified in 0.003% (1/34528) of Latino chromosomes by gnomAD and has been reported as likely pathogenic in ClinVar (Variation ID 312401). This variant is located in the 5' splice region. Computational tools predict a weak splicing impact, though this information is not predictive enough to determine pathogenicity. Furthermore, RNA analyses performed on individuals carrying this variant have produced conflicting results regarding its impact on splicing (Deguti 2004, Lovicu 2009). In summary, although additional studies are required to fully establish its clinical significance, this variant meets criteria to be classified as likely pathogenic for autosomal recessive Wilson disease based on its identification in multiple affected individuals and low frequency in controls. ACMG/AMP Criteria applied: PM3_Strong, PM2, PP1.

Illumina Laboratory Services, Illumina
Classification: Pathogenic for Wilson disease. Last evaluated: 2017-04-28. Review status: criteria provided, single submitter. Criteria: ICSL Variant Classification Criteria 09 May 2019. Collection method: clinical testing. Allele origin: germline.
Comment: The ATP7B c.51+4A>T splice-region variant has been described in eight studies in which it was found in a total of 11 patients with Wilson disease including in three in a homozygous state (including two siblings) and in 11 in a compound heterozygous state (including two pairs of siblings) (Deguti et al. 2004; Lovicu et al. 2009; Nicastro et al. 2009; Nicastro et al. 2010; Bost et al. 2012; Bem et al. 2013; Arruda et al. 2014; Paradisi et al. 2014). The c.51+4A>T variant was absent from 108 controls but is reported at a frequency of 0.00004 in the European (non-Finnish) population of the Exome Aggregation Consortium. One functional study demonstrated that the c.51+4A>T variant did not result in aberrant splicing (Deguti et al. 2004). Lovicu et al. (2004) however showed that the variant resulted in aberrant splicing in individuals who were homozygous for the variant but not in compound heterozygotes (Lovicu et al. 2009). Based on the collective evidence, the c.51+4A>T variant is classified as pathogenic for Wilson disease. This variant was observed by ICSL as part of a predisposition screen in an ostensibly healthy population.

Clinical Genetics Service, Universitary Hospital 12 de Octubre
Classification: Pathogenic for Wilson disease. Review status: criteria provided, single submitter. Criteria: ACMG Guidelines, 2015. Collection method: clinical testing. Allele origin: germline. Affected: yes.

Clinical Laboratory Sciences Program (CLSP), King Saud bin Abdulaziz University for Health Sciences (KSAU-HS)
Classification: Pathogenic for Wilson disease. Last evaluated: 2023-04-01. Review status: no assertion criteria provided. Collection method: clinical testing. Allele origin: germline. Affected: yes. Not counted in ClinVar's aggregate classification.

Counsyl
Classification: Likely pathogenic for Wilson disease. Last evaluated: 2017-04-07. Review status: no assertion criteria provided. Collection method: clinical testing. Allele origin: unknown. Not counted in ClinVar's aggregate classification.

Diagnostic Laboratory, Department of Genetics, University Medical Center Groningen
Classification: Pathogenic. Review status: no assertion criteria provided. Collection method: clinical testing. Allele origin: germline. Affected: yes. Study: VKGL Data-share Consensus. Not counted in ClinVar's aggregate classification.

Genome Diagnostics Laboratory, University Medical Center Utrecht
Classification: Pathogenic. Review status: no assertion criteria provided. Collection method: clinical testing. Allele origin: germline. Affected: yes. Study: VKGL Data-share Consensus. Not counted in ClinVar's aggregate classification.

Lildballe Lab, Aarhus University Hospital
Classification: Uncertain significance for Wilson disease. Last evaluated: 2024-08-29. Review status: flagged submission. Criteria: ACMG Guidelines, 2015. Collection method: clinical testing. Allele origin: germline. Affected: yes. Not counted in ClinVar's aggregate classification.
Comment: PM2, PP3
ClinVar note: Reason: Outlier claim with insufficient supporting evidence

Literature cited by the submitters: PubMed 15024742 (cited by 9 submitters); PubMed 19371217 (cited by 10 submitters); PubMed 20967755 (cited by 6 submitters); PubMed 22677543 (cited by 4 submitters); PubMed 23982005 (cited by 7 submitters); PubMed 25497208 (cited by 10 submitters); PubMed 32043565 (cited by Myriad Genetics, Inc. and Natera, Inc.); PubMed 33159804 (cited by Myriad Genetics, Inc.); PubMed 34773664 (cited by 3 submitters); PubMed 35864215 (cited by 3 submitters); PubMed 37323222 (cited by Myriad Genetics, Inc. and Otogenetics); PubMed 37644014 (cited by Myriad Genetics, Inc.); PubMed 23962630 (cited by 8 submitters); PubMed 17576681 (cited by Labcorp Genetics (formerly Invitae), Labcorp); PubMed 9536098 (cited by Labcorp Genetics (formerly Invitae), Labcorp); PubMed 38588792 (cited by Otogenetics); PubMed 19118915 (cited by 6 submitters); PubMed 23518715 (cited by 4 submitters); PubMed 24661374 (cited by Mayo Clinic Laboratories, Mayo Clinic and Women's Health and Genetics/Laboratory Corporation of America, LabCorp); PubMed 31589614 (cited by Mayo Clinic Laboratories, Mayo Clinic); PubMed 34091542 (cited by Mayo Clinic Laboratories, Mayo Clinic); PubMed 36096368 (cited by Mayo Clinic Laboratories, Mayo Clinic); PubMed 15952988 (cited by Women's Health and Genetics/Laboratory Corporation of America, LabCorp and Laboratory for Molecular Medicine, Mass General Brigham Personalized Medicine); PubMed 31059521 (cited by Women's Health and Genetics/Laboratory Corporation of America, LabCorp); PubMed 28443131 (cited by Women's Health and Genetics/Laboratory Corporation of America, LabCorp).